The following is an entry in ClinVar:

NM_139321.3(ATRN):c.206C>G (p.Ser69Trp)

Genes: ATRN (attractin; plus strand), LOC130065331 (ATAC-STARR-seq lymphoblastoid silent region 12621; plus strand). Cytogenetic location: 20p13.
Variant type: single nucleotide variant.
Coding change: c.206C>G on transcript NM_139321.3 (MANE Select); coding-DNA position 206, C replaced by G.
Protein change: p.Ser69Trp; replaces serine 69 with tryptophan.
Molecular consequence: missense variant. On other transcripts: intron variant (1).
Genome position (GRCh38, 1-based): chr20:3,471,313, C>G. VCF-style: chr20-3471313-C-G. GRCh37 (hg19) VCF-style: chr20-3451960-C-G.
Other names: c.206C>G, p.Ser69Trp (NM_001323332.2, NM_139322.4); c.62+179C>G (NM_001207047.3); short protein forms S69W.
Identifiers: ClinVar variation 1938491 (VCV001938491.5), dbSNP rs2084416894, ClinGen allele CA408251845.

ClinVar aggregate classification (germline): Uncertain significance (1 of 4 stars; one submission).

Submission:

Labcorp Genetics (formerly Invitae), Labcorp
Classification: Uncertain significance. Last evaluated: 2025-09-18. Review status: criteria provided, single submitter. Criteria: Invitae Variant Classification Sherloc (09022015). Collection method: clinical testing. Allele origin: germline.
Comment: This sequence change replaces serine, which is neutral and polar, with tryptophan, which is neutral and slightly polar, at codon 69 of the ATRN protein (p.Ser69Trp). This variant is not present in population databases (gnomAD no frequency). This variant has not been reported in the literature in individuals affected with ATRN-related conditions. ClinVar contains an entry for this variant (Variation ID: 1938491). Experimental studies and prediction algorithms are not available or were not evaluated, and the functional significance of this variant is currently unknown. In summary, the available evidence is currently insufficient to determine the role of this variant in disease. Therefore, it has been classified as a Variant of Uncertain Significance.